The following is an entry in ClinVar:

ClinVar aggregate classification (germline): Likely benign. Review status: criteria provided, multiple submitters, no conflicts (2 of 4 stars). 3 submissions from 3 submitters: Likely benign (2). 1 of the submissions does not count toward it. Last evaluated 2025-09-04.

Conditions:
SRCAP-related disorder. Also called: SRCAP-related condition.
Inborn genetic diseases. Identifiers: MedGen C0950123, MeSH D030342.

Allele frequency attached by ClinVar (database versions not stated): gnomAD 0.00006; ExAC 0.00010; gnomAD exomes 0.00021.
gnomAD v4.1: 110 of 1,606,016 alleles (0.0068%); highest among the groups gnomAD compares: Admixed American, 0.084%; no homozygotes.

Submissions (3):

Labcorp Genetics (formerly Invitae), Labcorp
Classification: Likely benign. Last evaluated: 2025-09-04. Review status: criteria provided, single submitter. Criteria: Invitae Variant Classification Sherloc (09022015). Collection method: clinical testing. Allele origin: germline.

Ambry Genetics
Classification: Likely benign for Inborn genetic diseases. Last evaluated: 2023-02-27. Review status: criteria provided, single submitter. Criteria: Ambry Variant Classification Scheme 2023. Collection method: clinical testing. Allele origin: germline.

PreventionGenetics, part of Exact Sciences
Classification: Likely benign for SRCAP-related condition. Last evaluated: 2022-09-07. Review status: no assertion criteria provided. Collection method: clinical testing. Allele origin: germline. Not counted in ClinVar's aggregate classification.
Comment: This variant is classified as likely benign based on ACMG/AMP sequence variant interpretation guidelines (Richards et al. 2015 PMID: 25741868, with internal and published modifications).

NM_006662.3(SRCAP):c.5918T>C (p.Ile1973Thr)

Gene: SRCAP (Snf2 related CREBBP activator protein; plus strand). Cytogenetic location: 16p11.2.
Variant type: single nucleotide variant.
Coding change: c.5918T>C on transcript NM_006662.3 (MANE Select); coding-DNA position 5918, T replaced by C.
Protein change: p.Ile1973Thr; replaces isoleucine 1973 with threonine.
Molecular consequence: missense variant.
Genome position (GRCh38, 1-based): chr16:30,729,225, T>C. VCF-style: chr16-30729225-T-C. GRCh37 (hg19) VCF-style: chr16-30740546-T-C.
Other names: c.5918T>C (NM_006662.2); short protein forms I1973T.
Identifiers: ClinVar variation 1452040 (VCV001452040.11), dbSNP rs772327836, ClinGen allele CA8012105.